The following is an entry in ClinVar:

ClinVar aggregate classification (germline): Uncertain significance (1 of 4 stars; one submission).

Conditions:
Familial sleep-related hypermotor epilepsy. Also called: Autosomal Dominant Sleep-Related Hypermotor (Hyperkinetic) Epilepsy. Identifiers: Orphanet 98784, MedGen C3696898, MONDO:0000030.

Allele frequency attached by ClinVar (database versions not stated): gnomAD exomes 0.00001; ExAC 0.00001; gnomAD 0.00001.

Submission:

Labcorp Genetics (formerly Invitae), Labcorp
Classification: Uncertain significance. Last evaluated: 2024-07-30. Review status: criteria provided, single submitter. Criteria: Invitae Variant Classification Sherloc (09022015). Collection method: clinical testing. Allele origin: germline.
Comment: This sequence change replaces lysine, which is basic and polar, with asparagine, which is neutral and polar, at codon 243 of the CHRNA2 protein (p.Lys243Asn). The frequency data for this variant in the population databases is considered unreliable, as metrics indicate poor data quality at this position in the gnomAD database. This variant has not been reported in the literature in individuals affected with CHRNA2-related conditions. ClinVar contains an entry for this variant (Variation ID: 643866). Advanced modeling of protein sequence and biophysical properties (such as structural, functional, and spatial information, amino acid conservation, physicochemical variation, residue mobility, and thermodynamic stability) performed at Invitae indicates that this missense variant is not expected to disrupt CHRNA2 protein function with a negative predictive value of 80%. In summary, the available evidence is currently insufficient to determine the role of this variant in disease. Therefore, it has been classified as a Variant of Uncertain Significance.

NM_000742.4(CHRNA2):c.729G>C (p.Lys243Asn)

Gene: CHRNA2 (cholinergic receptor nicotinic alpha 2 subunit; minus strand). Cytogenetic location: 8p21.2.
Variant type: single nucleotide variant.
Coding change: c.729G>C on transcript NM_000742.4 (MANE Select); coding-DNA position 729, G replaced by C.
Protein change: p.Lys243Asn; replaces lysine 243 with asparagine.
Molecular consequence: missense variant.
Genome position (GRCh38, 1-based): chr8:27,463,714, C>G on the plus strand (G>C on the coding strand, the complement: CHRNA2 is on the minus strand). VCF-style: chr8-27463714-C-G. GRCh37 (hg19) VCF-style: chr8-27321231-C-G.
Other names: c.684G>C, p.Lys228Asn (NM_001282455.2); c.252G>C, p.Lys84Asn (NM_001347705.2, NM_001347706.2); c.135G>C, p.Lys45Asn (NM_001347707.2, NM_001347708.2); short protein forms K243N, K228N, K84N, K45N.
Identifiers: ClinVar variation 643866 (VCV000643866.5), dbSNP rs763633128, ClinGen allele CA4689604.